The following is an entry in ClinVar:

ClinVar aggregate classification (germline): Conflicting classifications of pathogenicity. Review status: criteria provided, conflicting classifications (1 of 4 stars). 3 submissions from 3 submitters: Uncertain significance (1); Likely benign (2). Last evaluated 2024-10-18.

Conditions:
Primary ciliary dyskinesia. Also called: Ciliary dyskinesia. Identifiers: Orphanet 244, MedGen C0008780, MONDO:0016575, HP:0012265.

Allele frequency attached by ClinVar (database versions not stated): gnomAD exomes 0.00040; ExAC 0.00099; gnomAD 0.00443; 1000 Genomes Project 0.00599; 1000 Genomes Project 30x 0.00703.
gnomAD v4.1: 1,278 of 1,605,164 alleles (0.08%); highest among the groups gnomAD compares: African/African-American, 1.5%; 9 homozygotes.

Submissions (3):

Blueprint Genetics
Classification: Likely benign. Last evaluated: 2024-10-18. Review status: criteria provided, single submitter. Criteria: ACMG Guidelines, 2015. Collection method: clinical testing. Allele origin: germline.

GeneDx
Classification: Likely benign. Last evaluated: 2020-07-11. Review status: criteria provided, single submitter. Criteria: GeneDx Variant Classification Process June 2021. Collection method: clinical testing. Allele origin: germline. Affected: yes.
Comment: See Variant Classification Assertion Criteria.

Ambry Genetics
Classification: Uncertain significance for Primary ciliary dyskinesia. Last evaluated: 2015-08-26. Review status: criteria provided, single submitter. Criteria: Ambry Variant Classification Scheme 2023. Collection method: clinical testing. Allele origin: germline.
Comment: The c.-13T>A alteration is located in the 5' untranslated region (5'UTR) of the RSPH4A gene. This alteration consists of a T to A substitution nucleotides upstream from the first translated codon. Based on insufficient or conflicting evidence, the clinical significance of this alteration remains unclear.

NM_001010892.3(RSPH4A):c.-13T>A

Genes: RSPH4A (radial spoke head component 4A; plus strand), LOC129997051 (ATAC-STARR-seq lymphoblastoid active region 24997; plus strand). Cytogenetic location: 6q22.1.
Variant type: single nucleotide variant.
Coding change: c.-13T>A on transcript NM_001010892.3 (MANE Select); 13 bases upstream of the start codon, T replaced by A.
Molecular consequence: 5 prime UTR variant.
Genome position (GRCh38, 1-based): chr6:116,616,611, T>A. VCF-style: chr6-116616611-T-A. GRCh37 (hg19) VCF-style: chr6-116937774-T-A.
Other names: c.-13T>A (NM_001161664.2, NM_001010892.2).
Identifiers: ClinVar variation 1707228 (VCV001707228.4), dbSNP rs567530388, ClinGen allele CA3970682.